The following is an entry in ClinVar:

ClinVar aggregate classification (germline): Benign (1 of 4 stars; one submission).

Conditions:
Congenital glucose-galactose malabsorption (GGM). Also called: MONOSACCHARIDE MALABSORPTION; DIARRHEA 16. Identifiers: Orphanet 35710, MedGen C0268186, MONDO:0011731, OMIM 606824.

Allele frequency attached by ClinVar (database versions not stated): 1000 Genomes Project 0.01158; gnomAD 0.01195 and 0.01304; 1000 Genomes Project 30x 0.01234; TOPMed 0.01340.

Submission:

Illumina Laboratory Services, Illumina
Classification: Benign for Congenital glucose-galactose malabsorption. Last evaluated: 2018-01-12. Review status: criteria provided, single submitter. Criteria: ICSL Variant Classification Criteria 13 December 2019. Collection method: clinical testing. Allele origin: germline.
Comment: This variant was observed in the ICSL laboratory as part of a predisposition screen in an ostensibly healthy population. It had not been previously curated by ICSL or reported in the Human Gene Mutation Database (HGMD: prior to June 1st, 2018), and was therefore a candidate for classification through an automated scoring system. Utilizing variant allele frequency, disease prevalence and penetrance estimates, and inheritance mode, an automated score was calculated to assess if this variant is too frequent to cause the disease. Based on the score and internal cut-off values, a variant classified as benign is not then subjected to further curation. The score for this variant resulted in a classification of benign for this disease.

NM_000343.4(SLC5A1):c.*1508C>A

Gene: SLC5A1 (solute carrier family 5 member 1; plus strand). Cytogenetic location: 22q12.3.
Variant type: single nucleotide variant.
Coding change: c.*1508C>A on transcript NM_000343.4 (MANE Select); 1508 bases downstream of the stop codon, C replaced by A.
Molecular consequence: 3 prime UTR variant.
Genome position (GRCh38, 1-based): chr22:32,111,721, C>A. VCF-style: chr22-32111721-C-A. GRCh37 (hg19) VCF-style: chr22-32507708-C-A.
Other names: c.*1508C>A (NM_001256314.2).
Identifiers: ClinVar variation 341288 (VCV000341288.5), dbSNP rs8142324, ClinGen allele CA10651127.
Genomic context (GRCh38, chr22:32,111,721, plus strand): 5'-GGCTGATCAGAGGGTTTTTCAACAATAAATCAATGGGAATGCATTTGTTGCTCCCAGGAC[C>A]CTGGCACCTTGACTCTGGTACTATAGCATGTCAGCAAATACAAGCAAAGCCCAACACTCT-3'